The following is an entry in ClinVar:

ClinVar aggregate classification (germline): Uncertain significance (1 of 4 stars; one submission).

Conditions:
Hereditary cancer-predisposing syndrome. Also called: Tumor predisposition; Hereditary Cancer Syndrome; Hereditary neoplastic syndrome; Neoplastic Syndromes, Hereditary. Identifiers: Orphanet 140162, MedGen C0027672, MeSH D009386, MONDO:0015356.

Submission:

Ambry Genetics
Classification: Uncertain significance for Hereditary cancer-predisposing syndrome. Last evaluated: 2024-04-06. Review status: criteria provided, single submitter. Criteria: Ambry Variant Classification Scheme 2023. Collection method: clinical testing. Allele origin: germline.
Comment: The p.I495T variant (also known as c.1484T>C), located in coding exon 14 of the NF2 gene, results from a T to C substitution at nucleotide position 1484. The isoleucine at codon 495 is replaced by threonine, an amino acid with similar properties. This amino acid position is conserved. In addition, this alteration is predicted to be tolerated by in silico analysis. Based on the available evidence, the clinical significance of this variant remains unclear.

NM_000268.4(NF2):c.1484T>C (p.Ile495Thr)

Gene: NF2 (NF2, moesin-ezrin-radixin like (MERLIN) tumor suppressor; plus strand). Cytogenetic location: 22q12.2.
Variant type: single nucleotide variant.
Coding change: c.1484T>C on transcript NM_000268.4 (MANE Select); coding-DNA position 1484, T replaced by C.
Protein change: p.Ile495Thr; replaces isoleucine 495 with threonine.
Molecular consequence: missense variant. On other transcripts: non-coding transcript variant (1), intron variant (1).
Genome position (GRCh38, 1-based): chr22:29,678,233, T>C. VCF-style: chr22-29678233-T-C. GRCh37 (hg19) VCF-style: chr22-30074222-T-C.
Other names: c.1235T>C, p.Ile412Thr (NM_181830.3, NM_181831.3, NM_001407063.1 and 1 more transcripts); c.1484T>C, p.Ile495Thr (NM_181832.3, NM_001407060.1, NM_001407066.1 and 2 more transcripts); c.448-16519T>C (NM_181833.3); c.1370T>C, p.Ile457Thr (NM_001407053.1, NM_001407056.1); c.1361T>C, p.Ile454Thr (NM_001407054.1, NM_001407058.1, NM_181829.3); c.1358T>C, p.Ile453Thr (NM_001407055.1, NM_181828.3); c.1349T>C, p.Ile450Thr (NM_001407057.1, NM_001407059.1); c.1226T>C, p.Ile409Thr (NM_001407062.1); and 2 more; short protein forms I453T, I495T, I454T, I317T, I409T, I412T, I457T, I418T.
Identifiers: ClinVar variation 3299418 (VCV003299418.1).
Genomic context (GRCh38, chr22:29,678,233, plus strand): 5'-AATCCGAAATTTCTCATTAACAGCCCATGAACCCAATTCCAGCACCGTTGCCTCCTGACA[T>C]ACCAAGCTTCAACCTCATTGGTGACAGCCTGTCTTTCGACTTCAAAGATACTGACATGAA-3'
Protein context (NP_000259.1, residues 485-505): NPIPAPLPPD[Ile495Thr]PSFNLIGDSL